The following is an entry in ClinVar:

NM_000512.5(GALNS):c.211A>G (p.Asn71Asp)

Gene: GALNS (galactosamine (N-acetyl)-6-sulfatase; minus strand). Cytogenetic location: 16q24.3.
Variant type: single nucleotide variant.
Coding change: c.211A>G on transcript NM_000512.5 (MANE Select); coding-DNA position 211, A replaced by G.
Protein change: p.Asn71Asp; replaces asparagine 71 with aspartic acid.
Molecular consequence: missense variant. On other transcripts: intron variant (1).
Genome position (GRCh38, 1-based): chr16:88,842,739, T>C on the plus strand (A>G on the coding strand, the complement: GALNS is on the minus strand). VCF-style: chr16-88842739-T-C. GRCh37 (hg19) VCF-style: chr16-88909147-T-C.
Other names: c.229A>G, p.Asn77Asp (NM_001323544.2); c.-311-768A>G (NM_001323543.2); c.211A>G (NM_000512.4); short protein forms N71D, N77D.
Identifiers: ClinVar variation 2413889 (VCV002413889.4), dbSNP rs780624145, ClinGen allele CA8235262.
Genomic context (GRCh38, chr16:88,842,739, plus strand): 5'-CTGGGGGCGAGGGCCCCGCTGACTTACATGGCGAGCACAGAGGGTTGGCAGAATAGAAGT[T>C]TGGGAAAAGCAGCCCTTCTGCAGCCATCCGGTCCAAATTCGGGGTCTCTCTGGAGGGCTC-3'
Protein context (NP_000503.1, residues 61-81): RMAAEGLLFP[Asn71Asp]FYSANPLCSP

ClinVar aggregate classification (germline): Uncertain significance. Review status: criteria provided, multiple submitters, no conflicts (2 of 4 stars). 2 submissions from 2 submitters: Uncertain significance (2). Last evaluated 2024-04-22.

Conditions:
Inborn genetic diseases. Identifiers: MedGen C0950123, MeSH D030342.
Mucopolysaccharidosis, MPS-IV-A (MPS4A). Also called: MPS IVA; Mucopolysaccharidosis type IV A; Mucopolysaccharidosis Type IVA; Morquio syndrome A, mild; MORQUIO SYNDROME A; GALACTOSAMINE-6-SULFATASE DEFICIENCY. Identifiers: Orphanet 309297, Orphanet 582, MedGen C0086651, MONDO:0009659, OMIM 253000.

Allele frequency attached by ClinVar (database versions not stated): TOPMed below 0.00001; gnomAD exomes 0.00001; ExAC 0.00002; gnomAD 0.00003.
gnomAD v4.1: 18 of 1,612,996 alleles (0.0011%); highest among the groups gnomAD compares: African/African-American, 0.0053%; no homozygotes.

Submissions (2):

Ambry Genetics
Classification: Uncertain significance for Inborn genetic diseases. Last evaluated: 2024-04-22. Review status: criteria provided, single submitter. Criteria: Ambry Variant Classification Scheme 2023. Collection method: clinical testing. Allele origin: germline.

Labcorp Genetics (formerly Invitae), Labcorp
Classification: Uncertain significance for Mucopolysaccharidosis, MPS-IV-A. Last evaluated: 2022-04-12. Review status: criteria provided, single submitter. Criteria: Invitae Variant Classification Sherloc (09022015). Collection method: clinical testing. Allele origin: germline.
Comment: This sequence change replaces asparagine, which is neutral and polar, with aspartic acid, which is acidic and polar, at codon 71 of the GALNS protein (p.Asn71Asp). This variant is present in population databases (rs780624145, gnomAD 0.004%). This variant has not been reported in the literature in individuals affected with GALNS-related conditions. Advanced modeling of protein sequence and biophysical properties (such as structural, functional, and spatial information, amino acid conservation, physicochemical variation, residue mobility, and thermodynamic stability) performed at Invitae indicates that this missense variant is not expected to disrupt GALNS protein function. In summary, the available evidence is currently insufficient to determine the role of this variant in disease. Therefore, it has been classified as a Variant of Uncertain Significance.